The following is an entry in ClinVar:

NM_004370.6(COL12A1):c.6917C>T (p.Pro2306Leu)

Gene: COL12A1 (collagen type XII alpha 1 chain; minus strand). Cytogenetic location: 6q13.
Variant type: single nucleotide variant.
Coding change: c.6917C>T on transcript NM_004370.6 (MANE Select); coding-DNA position 6917, C replaced by T.
Protein change: p.Pro2306Leu; replaces proline 2306 with leucine.
Molecular consequence: missense variant.
Genome position (GRCh38, 1-based): chr6:75,123,359, G>A on the plus strand (C>T on the coding strand, the complement: COL12A1 is on the minus strand). VCF-style: chr6-75123359-G-A. GRCh37 (hg19) VCF-style: chr6-75833075-G-A.
Other names: c.3425C>T, p.Pro1142Leu (NM_080645.3); short protein forms P1142L, P2306L.
Identifiers: ClinVar variation 1329572 (VCV001329572.10), dbSNP rs1302398240, ClinGen allele CA364728078.

ClinVar aggregate classification (germline): Uncertain significance. Review status: criteria provided, multiple submitters, no conflicts (2 of 4 stars). 3 submissions from 3 submitters: Uncertain significance (3). Last evaluated 2026-04-29.

Conditions:
Ullrich congenital muscular dystrophy 2 (UCMD2). Identifiers: Orphanet 75840, MedGen C4225314, MONDO:0014654, OMIM 616470.
Bethlem myopathy 2 (BTHLM2). Identifiers: Orphanet 536516, Orphanet 610, MedGen C4225313, MONDO:0034022, OMIM 616471.

Allele frequency attached by ClinVar (database versions not stated): gnomAD exomes below 0.00001; TOPMed below 0.00001; gnomAD 0.00001.

Submissions (3):

Women's Health and Genetics/Laboratory Corporation of America, LabCorp
Classification: Uncertain significance. Last evaluated: 2026-04-29. Review status: criteria provided, single submitter. Criteria: LabCorp Variant Classification Summary - May 2015. Collection method: clinical testing. Allele origin: germline.
Comment: Variant summary: COL12A1 c.6917C>T (p.Pro2306Leu) results in a non-conservative amino acid change in the encoded protein sequence. Algorithms developed to predict the effect of missense changes on protein structure and function are either unavailable or do not agree on the potential impact of this missense change. The variant allele was found at a frequency of 4.2e-06 in 237482 control chromosomes. The available data on variant occurrences in the general population are insufficient to allow any conclusion about variant significance. To our knowledge, no occurrence of c.6917C>T in individuals affected with COL12A1-related conditions and no experimental evidence demonstrating its impact on protein function have been reported. ClinVar contains an entry for this variant (Variation ID: 1329572). Based on the evidence outlined above, the variant was classified as uncertain significance.

Labcorp Genetics (formerly Invitae), Labcorp
Classification: Uncertain significance for Bethlem myopathy 2; Ullrich congenital muscular dystrophy 2. Last evaluated: 2025-09-01. Review status: criteria provided, single submitter. Criteria: Invitae Variant Classification Sherloc (09022015). Collection method: clinical testing. Allele origin: germline.
Comment: This sequence change replaces proline, which is neutral and non-polar, with leucine, which is neutral and non-polar, at codon 2306 of the COL12A1 protein (p.Pro2306Leu). The frequency data for this variant in the population databases is considered unreliable, as metrics indicate poor data quality at this position in the gnomAD database. This variant has not been reported in the literature in individuals affected with COL12A1-related conditions. ClinVar contains an entry for this variant (Variation ID: 1329572). Invitae Evidence Modeling of protein sequence and biophysical properties (such as structural, functional, and spatial information, amino acid conservation, physicochemical variation, residue mobility, and thermodynamic stability) indicates that this missense variant is not expected to disrupt COL12A1 protein function with a negative predictive value of 80%. In summary, the available evidence is currently insufficient to determine the role of this variant in disease. Therefore, it has been classified as a Variant of Uncertain Significance.

GeneDx
Classification: Uncertain significance. Last evaluated: 2021-06-23. Review status: criteria provided, single submitter. Criteria: GeneDx Variant Classification Process June 2021. Collection method: clinical testing. Allele origin: germline. Affected: yes.
Comment: Not observed at significant frequency in large population cohorts (Lek et al., 2016); In silico analysis supports that this missense variant has a deleterious effect on protein structure/function; Has not been previously published as pathogenic or benign to our knowledge; This variant is associated with the following publications: (PMID: 27535533)